The following is an entry in ClinVar:

ClinVar aggregate classification (germline): Uncertain significance. Review status: criteria provided, multiple submitters, no conflicts (2 of 4 stars). 2 submissions from 2 submitters: Uncertain significance (2). Last evaluated 2025-09-15.

Conditions:
Long QT syndrome 6 (LQT6). Identifiers: Orphanet 101016, Orphanet 768, MedGen C3150953, MONDO:0013370, OMIM 613693.

Allele frequency attached by ClinVar (database versions not stated): gnomAD 0.00001; gnomAD exomes 0.00001 and 0.00002; ExAC 0.00002; TOPMed 0.00002; 1000 Genomes Project 30x 0.00016; ESP Exome Variant Server 0.00008.
gnomAD v4.1: 28 of 1,614,142 alleles (0.0017%); highest among the groups gnomAD compares: South Asian, 0.0044%; 1 homozygote.

Submissions (2):

Labcorp Genetics (formerly Invitae), Labcorp
Classification: Uncertain significance for Long QT syndrome 6. Last evaluated: 2025-09-15. Review status: criteria provided, single submitter. Criteria: Invitae Variant Classification Sherloc (09022015). Collection method: clinical testing. Allele origin: germline.
Comment: This sequence change replaces arginine, which is basic and polar, with glutamine, which is neutral and polar, at codon 16 of the KCNE2 protein (p.Arg16Gln). This variant is present in population databases (rs368865412, gnomAD 0.01%). This missense change has been observed in individual(s) with non LQTS phenotype (PMID: 28794082). ClinVar contains an entry for this variant (Variation ID: 190794). An algorithm developed to predict the effect of missense changes on protein structure and function outputs the following: PolyPhen-2: "Benign". The glutamine amino acid residue is found in multiple mammalian species, which suggests that this missense change does not adversely affect protein function. In summary, the available evidence is currently insufficient to determine the role of this variant in disease. Therefore, it has been classified as a Variant of Uncertain Significance.

GeneDx
Classification: Uncertain significance. Last evaluated: 2013-08-12. Review status: criteria provided, single submitter. Criteria: GeneDx Variant Classification (06012015). Collection method: clinical testing. Allele origin: germline. Affected: yes.
Comment: p.Arg16Gln (CGA>CAA): c.47 G>A in exon 2 of the KCNE2 gene (NM_172201.1). The Arg16Gln variant in the KCNE2 gene has not been reported as a disease-causing mutation or as a benign polymorphism to our knowledge. The Arg16Gln variant was not observed with any significant frequency in approximately 6,500 individuals of European and African American ancestry in the NHLBI Exome Sequencing Project. Arg16Gln results in a semi-conservative amino acid substitution of a positively charged Arginine with a neutral, polar Glutamine at a position that is not conserved across species and in silico analysis predicts Arg16Gln is benign to the protein structure/function. However, a few mutations in nearby residues (Thr10Met, Ile20Asn) have been reported in association with LQTS, supporting the functional importance of this region of the protein. With the clinical and molecular information available at this time, we cannot definitively determine if Arg16Gln is a disease-causing mutation or rare benign variant. The variant is found in POSTMORTEM panel(s).

Literature cited by the submitters: PubMed 28794082 (cited by Labcorp Genetics (formerly Invitae), Labcorp).

NM_172201.2(KCNE2):c.47G>A (p.Arg16Gln)

Genes: KCNE2 (potassium voltage-gated channel subfamily E regulatory subunit 2; plus strand), LOC105372791 (uncharacterized LOC105372791; minus strand). Cytogenetic location: 21q22.11.
Variant type: single nucleotide variant.
Coding change: c.47G>A on transcript NM_172201.2 (MANE Select); coding-DNA position 47, G replaced by A.
Protein change: p.Arg16Gln; replaces arginine 16 with glutamine.
Molecular consequence: missense variant.
Genome position (GRCh38, 1-based): chr21:34,370,525, G>A. VCF-style: chr21-34370525-G-A. GRCh37 (hg19) VCF-style: chr21-35742824-G-A.
Other names: p.R16Q:CGA>CAA; short protein forms R16Q.
Identifiers: ClinVar variation 190794 (VCV000190794.4), dbSNP rs368865412, ClinGen allele CA301982.